The following is an entry in ClinVar:

NM_018249.6(CDK5RAP2):c.703G>A (p.Ala235Thr)

Gene: CDK5RAP2 (CDK5 regulatory subunit associated protein 2; minus strand). Cytogenetic location: 9q33.2.
Variant type: single nucleotide variant.
Coding change: c.703G>A on transcript NM_018249.6 (MANE Select); coding-DNA position 703, G replaced by A.
Protein change: p.Ala235Thr; replaces alanine 235 with threonine.
Molecular consequence: missense variant. On other transcripts: non-coding transcript variant (5).
Genome position (GRCh38, 1-based): chr9:120,530,100, C>T on the plus strand (G>A on the coding strand, the complement: CDK5RAP2 is on the minus strand). VCF-style: chr9-120530100-C-T. GRCh37 (hg19) VCF-style: chr9-123292378-C-T.
Other names: c.703G>A, p.Ala235Thr (NM_001011649.3, NM_001272039.2); c.703G>A (NM_018249.4); short protein forms A235T.
Identifiers: ClinVar variation 364781 (VCV000364781.10), dbSNP rs142783338, ClinGen allele CA5214630.
Genomic context (GRCh38, chr9:120,530,100, plus strand): 5'-ACACATTCTCATCAGGACATGCCATCTGAGATTTCTCCTCTTTAAGGCACTGAATTAAAG[C>T]TTCTTTGCTCTTCAAAGACAGCTTCAACTCCTCAATCAGTCTAAAAGAGAACAAAATTTA-3'
Protein context (NP_060719.4, residues 225-245): ELKLSLKSKE[Ala235Thr]LIQCLKEEKS

ClinVar aggregate classification (germline): Uncertain significance. Review status: criteria provided, multiple submitters, no conflicts (2 of 4 stars). 3 submissions from 3 submitters: Uncertain significance (3). Last evaluated 2025-10-15.

Conditions:
Inborn genetic diseases. Identifiers: MedGen C0950123, MeSH D030342.
Microcephaly 3, primary, autosomal recessive. Identifiers: Orphanet 2512, MedGen C1858108, MONDO:0011488, OMIM 604804.

Allele frequency attached by ClinVar (database versions not stated): gnomAD exomes 0.00002 and 0.00006; ExAC 0.00007; 1000 Genomes Project 30x 0.00016; 1000 Genomes Project 0.00020; gnomAD 0.00021 and 0.00025; ESP Exome Variant Server 0.00031; TOPMed 0.00033.
gnomAD v4.1: 69 of 1,613,516 alleles (0.0043%); highest among the groups gnomAD compares: African/African-American, 0.059%; no homozygotes.

Submissions (3):

Ambry Genetics
Classification: Uncertain significance for Inborn genetic diseases. Last evaluated: 2025-10-15. Review status: criteria provided, single submitter. Criteria: Ambry Variant Classification Scheme 2023. Collection method: clinical testing. Allele origin: germline.

Labcorp Genetics (formerly Invitae), Labcorp
Classification: Uncertain significance. Last evaluated: 2024-10-28. Review status: criteria provided, single submitter. Criteria: Invitae Variant Classification Sherloc (09022015). Collection method: clinical testing. Allele origin: germline.
Comment: This sequence change replaces alanine, which is neutral and non-polar, with threonine, which is neutral and polar, at codon 235 of the CDK5RAP2 protein (p.Ala235Thr). This variant is present in population databases (rs142783338, gnomAD 0.09%). This variant has not been reported in the literature in individuals affected with CDK5RAP2-related conditions. ClinVar contains an entry for this variant (Variation ID: 364781). An algorithm developed to predict the effect of missense changes on protein structure and function (PolyPhen-2) suggests that this variant is likely to be disruptive. In summary, the available evidence is currently insufficient to determine the role of this variant in disease. Therefore, it has been classified as a Variant of Uncertain Significance.

Illumina Laboratory Services, Illumina
Classification: Uncertain significance for Microcephaly 3, primary, autosomal recessive. Last evaluated: 2018-01-12. Review status: criteria provided, single submitter. Criteria: ICSL Variant Classification Criteria 13 December 2019. Collection method: clinical testing. Allele origin: germline.